The following is an entry in ClinVar:

ClinVar aggregate classification (germline): Uncertain significance. Review status: criteria provided, multiple submitters, no conflicts (2 of 4 stars). 2 submissions from 2 submitters: Uncertain significance (2). Last evaluated 2024-04-04.

Conditions:
DK1-congenital disorder of glycosylation. Also called: DK1-CDG; DOLK-congenital disorder of glycosylation; Carbohydrate deficient glycoprotein syndrome type 1m; CDG Im; DK1 DEFICIENCY; DOLICHOL KINASE DEFICIENCY. Identifiers: Orphanet 91131, MedGen C1835849, MONDO:0012556, OMIM 610768.

Submissions (2):

GeneDx
Classification: Uncertain significance. Last evaluated: 2024-04-04. Review status: criteria provided, single submitter. Criteria: GeneDx Variant Classification Process June 2021. Collection method: clinical testing. Allele origin: germline. Affected: yes.
Comment: Reported as homozygous in a patient with left ventricular non-compaction cardiomyopathy (LVNC) in an abstract; methodology and detailed clinical information was not provided (Xia et al., 2023.); Not observed at significant frequency in large population cohorts (gnomAD); In-frame deletion of 1 amino acid in a non-repeat region; In silico analysis supports a deleterious effect on protein structure/function; This variant is associated with the following publications: (PMID: Xia[abstract]2023)

Labcorp Genetics (formerly Invitae), Labcorp
Classification: Uncertain significance for DK1-congenital disorder of glycosylation. Last evaluated: 2022-11-01. Review status: criteria provided, single submitter. Criteria: Invitae Variant Classification Sherloc (09022015). Collection method: clinical testing. Allele origin: germline.
Comment: In summary, the available evidence is currently insufficient to determine the role of this variant in disease. Therefore, it has been classified as a Variant of Uncertain Significance. Experimental studies and prediction algorithms are not available or were not evaluated, and the functional significance of this variant is currently unknown. ClinVar contains an entry for this variant (Variation ID: 570151). This variant has been observed in individual(s) with biochemical features of congenital disorder of glycosylation type 1 (Invitae). This variant is present in population databases (rs773789842, gnomAD 0.006%). This variant, c.863_865del, results in the deletion of 1 amino acid(s) of the DOLK protein (p.Leu288del), but otherwise preserves the integrity of the reading frame.

NM_014908.4(DOLK):c.860TTC[1] (p.Leu288del)

Gene: DOLK (dolichol kinase; minus strand). Cytogenetic location: 9q34.11.
Variant type: Microsatellite.
Coding change: c.860TTC[1] on transcript NM_014908.4 (MANE Select); one copy of the 3-base unit TTC starting at c.860; the reference has two copies in a row; one copy, 3 bases deleted; also written c.863_865del.
Protein change: p.Leu288del; deletes leucine 288.
Molecular consequence: inframe deletion.
Genome position (GRCh38, 1-based): chr9:128,946,439-128,946,441, GAA deleted on the plus strand (TTC on the coding strand, the reverse complement: DOLK is on the minus strand); deleting any 3 consecutive bases within chr9:128,946,439-128,946,445 gives the same sequence; the position shown is the placement nearest the transcript's 3' end. VCF-style (leftmost placement, unchanged base first): chr9-128946438-TGAA-T. GRCh37 (hg19) VCF-style: chr9-131708717-TGAA-T.
Other names: c.863_865delTTC (NM_014908.3); c.863_865del (NM_014908.3); short protein forms L288del.
Identifiers: ClinVar variation 570151 (VCV000570151.10), dbSNP rs773789842, ClinGen allele CA5271677.